The following is an entry in ClinVar:

ClinVar aggregate classification (germline): Conflicting classifications of pathogenicity. Review status: criteria provided, conflicting classifications (1 of 4 stars). 2 submissions from 2 submitters: Uncertain significance (1); Likely benign (1). Last evaluated 2025-07-01.

Conditions:
Hereditary cancer-predisposing syndrome. Also called: Hereditary neoplastic syndrome; Tumor predisposition; Hereditary Cancer Syndrome; Neoplastic Syndromes, Hereditary. Identifiers: Orphanet 140162, MedGen C0027672, MeSH D009386, MONDO:0015356.
Neuroblastoma, susceptibility to, 3. Also called: ALK-Related Neuroblastic Tumor Susceptibility. Identifiers: Orphanet 635, MedGen C2751681, MONDO:0013083, OMIM 613014.

Submissions (2):

Ambry Genetics
Classification: Likely benign for Hereditary cancer-predisposing syndrome. Last evaluated: 2025-07-01. Review status: criteria provided, single submitter. Criteria: Ambry Variant Classification Scheme 2023. Collection method: clinical testing. Allele origin: germline.

Labcorp Genetics (formerly Invitae), Labcorp
Classification: Uncertain significance for Neuroblastoma, susceptibility to, 3. Last evaluated: 2024-10-24. Review status: criteria provided, single submitter. Criteria: Invitae Variant Classification Sherloc (09022015). Collection method: clinical testing. Allele origin: germline.
Comment: This sequence change creates a premature translational stop signal (p.Tyr984*) in the ALK gene. It is expected to result in an absent or disrupted protein product. However, the current clinical and genetic evidence is not sufficient to establish whether loss-of-function variants in ALK cause disease. This variant is not present in population databases (gnomAD no frequency). This variant has not been reported in the literature in individuals affected with ALK-related conditions. ClinVar contains an entry for this variant (Variation ID: 577462). Algorithms developed to predict the effect of sequence changes on RNA splicing suggest that this variant may disrupt the consensus splice site. In summary, the available evidence is currently insufficient to determine the role of this variant in disease. Therefore, it has been classified as a Variant of Uncertain Significance.

NM_004304.5(ALK):c.2952T>G (p.Tyr984Ter)

Gene: ALK (ALK receptor tyrosine kinase; minus strand). Cytogenetic location: 2p23.2.
Variant type: single nucleotide variant.
Coding change: c.2952T>G on transcript NM_004304.5 (MANE Select); coding-DNA position 2952, T replaced by G.
Protein change: p.Tyr984Ter; replaces tyrosine 984 with a stop codon.
Molecular consequence: nonsense.
Genome position (GRCh38, 1-based): chr2:29,227,037, A>C on the plus strand (T>G on the coding strand, the complement: ALK is on the minus strand). VCF-style: chr2-29227037-A-C. GRCh37 (hg19) VCF-style: chr2-29449903-A-C.
Other names: short protein forms Y984*.
Identifiers: ClinVar variation 577462 (VCV000577462.8), dbSNP rs1558626238, ClinGen allele CA346467950.